The following is an entry in ClinVar:

ClinVar aggregate classification (germline): Benign/Likely benign. Review status: criteria provided, multiple submitters, no conflicts (2 of 4 stars). 3 submissions from 3 submitters: Benign (1); Likely benign (1). 1 of the submissions does not count toward it. Last evaluated 2025-12-21.

Conditions:
DMXL2-related disorder. Also called: DMXL2-related condition.

Submissions (4):

Labcorp Genetics (formerly Invitae), Labcorp
Classification: Benign. Last evaluated: 2025-12-21. Review status: criteria provided, single submitter. Criteria: Invitae Variant Classification Sherloc (09022015). Collection method: clinical testing. Allele origin: germline.

Blueprint Genetics
Classification: Likely benign. Last evaluated: 2024-08-13. Review status: criteria provided, single submitter. Criteria: ACMG Guidelines, 2015. Collection method: clinical testing. Allele origin: germline.

PreventionGenetics, part of Exact Sciences
Classification: Likely benign for DMXL2-related condition. Last evaluated: 2024-02-20. Review status: no assertion criteria provided. Collection method: clinical testing. Allele origin: germline. Not counted in ClinVar's aggregate classification.
Comment: This variant is classified as likely benign based on ACMG/AMP sequence variant interpretation guidelines (Richards et al. 2015 PMID: 25741868, with internal and published modifications).

Dr. Peter K. Rogan Lab, Western University
No classification provided (evidence only). Condition: Colon adenocarcinoma. Review status: no classification provided. Collection method: in vitro. Allele origin: not applicable. Functional consequence: retained intron. Not counted in ClinVar's aggregate classification.

NM_001378457.1(DMXL2):c.88-6_88-3del

Gene: DMXL2 (Dmx like 2; minus strand). Cytogenetic location: 15q21.2.
Variant type: Deletion.
Coding change: c.88-6_88-3del on transcript NM_001378457.1 (MANE Select); 6 bases into the intron before coding-DNA position 88 through 3 bases into the intron before coding-DNA position 88, 4 bases deleted (TTTT; older notation c.88-6_88-3delTTTT).
Molecular consequence: intron variant.
Genome position (GRCh38, 1-based): chr15:51,576,184-51,576,187, AAAA deleted on the plus strand (TTTT on the coding strand, the reverse complement: DMXL2 is on the minus strand); deleting any 4 consecutive bases within chr15:51,576,184-51,576,203 gives the same sequence; the c. name uses the placement nearest the transcript's 3' end. VCF-style (leftmost placement, unchanged base first): chr15-51576183-TAAAA-T. GRCh37 (hg19) VCF-style: chr15-51868380-TAAAA-T.
Other names: NC_000015.9:g.51868397_51868400del; c.88-22_88-19del (NM_001378457.1); c.88-6_88-3del (NM_001378460.1, NM_001174117.3, NM_015263.5 and 7 more transcripts); c.88-6_88-3delTTTT (NM_001174116.1).
Identifiers: ClinVar variation 2053907 (VCV002053907.8), dbSNP rs3078066, ClinGen allele CA645583300.
Genomic context (GRCh38, chr15:51,576,183, plus strand): 5'-ATCTGTACACATTCAAAGTCATTTGCCAAAATAACAATATCACAGCCTGATCCATATGCC[TAAAA>T]AAAAAAAAAAAAAAAAGTTTTACAATACATAAGATATGTAACTTTTGAAATCTTATTACA-3'